The following is an entry in ClinVar:

ClinVar aggregate classification (germline): Uncertain significance (1 of 4 stars; one submission).

Conditions:
Compton-North congenital myopathy (CMYO12). Identifiers: Orphanet 210163, MedGen C2675527, MONDO:0012929, OMIM 612540.

Submission:

Labcorp Genetics (formerly Invitae), Labcorp
Classification: Uncertain significance for Compton-North congenital myopathy. Last evaluated: 2022-04-30. Review status: criteria provided, single submitter. Criteria: Invitae Variant Classification Sherloc (09022015). Collection method: clinical testing. Allele origin: germline.
Comment: This variant has not been reported in the literature in individuals affected with CNTN1-related conditions. This variant is not present in population databases (gnomAD no frequency). This sequence change replaces valine, which is neutral and non-polar, with leucine, which is neutral and non-polar, at codon 546 of the CNTN1 protein (p.Val546Leu). In summary, the available evidence is currently insufficient to determine the role of this variant in disease. Therefore, it has been classified as a Variant of Uncertain Significance. Advanced modeling of protein sequence and biophysical properties (such as structural, functional, and spatial information, amino acid conservation, physicochemical variation, residue mobility, and thermodynamic stability) performed at Invitae indicates that this missense variant is not expected to disrupt CNTN1 protein function.

NM_001843.4(CNTN1):c.1636G>C (p.Val546Leu)

Gene: CNTN1 (contactin 1; plus strand). Cytogenetic location: 12q12.
Variant type: single nucleotide variant.
Coding change: c.1636G>C on transcript NM_001843.4 (MANE Select); coding-DNA position 1636, G replaced by C.
Protein change: p.Val546Leu; replaces valine 546 with leucine.
Molecular consequence: missense variant.
Genome position (GRCh38, 1-based): chr12:40,944,123, G>C. VCF-style: chr12-40944123-G-C. GRCh37 (hg19) VCF-style: chr12-41337925-G-C.
Other names: c.1636G>C, p.Val546Leu (NM_001256063.2, NM_001256064.2); c.1603G>C, p.Val535Leu (NM_175038.2); short protein forms V535L, V546L.
Identifiers: ClinVar variation 2132358 (VCV002132358.4), dbSNP rs2499492483, ClinGen allele CA384425071.